The following is an entry in ClinVar:

NM_020638.3(FGF23):c.593G>A (p.Arg198Gln)

Gene: FGF23 (fibroblast growth factor 23; minus strand). Cytogenetic location: 12p13.32.
Variant type: single nucleotide variant.
Coding change: c.593G>A on transcript NM_020638.3 (MANE Select); coding-DNA position 593, G replaced by A.
Protein change: p.Arg198Gln; replaces arginine 198 with glutamine.
Molecular consequence: missense variant.
Genome position (GRCh38, 1-based): chr12:4,370,506, C>T on the plus strand (G>A on the coding strand, the complement: FGF23 is on the minus strand). VCF-style: chr12-4370506-C-T. GRCh37 (hg19) VCF-style: chr12-4479672-C-T.
Other names: short protein forms R198Q.
Identifiers: ClinVar variation 3697477 (VCV003697477.2).

ClinVar aggregate classification (germline): Uncertain significance (1 of 4 stars; one submission).

gnomAD v4.1: 8 of 1,611,254 alleles (0.0005%); highest among the groups gnomAD compares: Admixed American, 0.0033%; no homozygotes.

Submission:

Labcorp Genetics (formerly Invitae), Labcorp
Classification: Uncertain significance. Last evaluated: 2024-10-07. Review status: criteria provided, single submitter. Criteria: Invitae Variant Classification Sherloc (09022015). Collection method: clinical testing. Allele origin: germline.
Comment: This sequence change replaces arginine, which is basic and polar, with glutamine, which is neutral and polar, at codon 198 of the FGF23 protein (p.Arg198Gln). This variant is present in population databases (no rsID available, gnomAD 0.006%). This variant has not been reported in the literature in individuals affected with FGF23-related conditions. Invitae Evidence Modeling of protein sequence and biophysical properties (such as structural, functional, and spatial information, amino acid conservation, physicochemical variation, residue mobility, and thermodynamic stability) has been performed for this missense variant. However, the output from this modeling did not meet the statistical confidence thresholds required to predict the impact of this variant on FGF23 protein function. In summary, the available evidence is currently insufficient to determine the role of this variant in disease. Therefore, it has been classified as a Variant of Uncertain Significance.